The following is an entry in ClinVar:

ClinVar aggregate classification (germline): Uncertain significance (1 of 4 stars; one submission).

Conditions:
SPTAN1-related disorder. Also called: SPTAN1-related condition; SPTAN1-related disorders.

Submission:

3billion
Classification: Uncertain significance for SPTAN1-related disorder. Last evaluated: 2025-01-10. Review status: criteria provided, single submitter. Criteria: ACMG Guidelines, 2015. Collection method: clinical testing. Allele origin: germline. Affected: yes.
Comment: The variant is not observed in the gnomAD v4.1.0 dataset. Predicted Consequence/Location: Intron variant In silico tools predict the variant to alter splicing and produce an abnormal transcript [SpliceAI: 0.24 (>=0.2, moderate evidence for spliceogenicity)]. Therefore, this variant is classified as VUS according to the recommendation of ACMG/AMP guideline.

NM_001130438.3(SPTAN1):c.238-8G>C

Gene: SPTAN1 (spectrin alpha, non-erythrocytic 1; plus strand). Cytogenetic location: 9q34.11.
Variant type: single nucleotide variant.
Coding change: c.238-8G>C on transcript NM_001130438.3 (MANE Select); 8 bases into the intron before coding-DNA position 238, G replaced by C.
Molecular consequence: intron variant.
Genome position (GRCh38, 1-based): chr9:128,568,764, G>C. VCF-style: chr9-128568764-G-C. GRCh37 (hg19) VCF-style: chr9-131331043-G-C.
Other names: c.274-8G>C (NM_001375318.1, NM_001375312.2, NM_001438440.1); c.238-8G>C (NM_001375311.2, NM_001375314.2, NM_001375310.1 and 10 more transcripts).
Identifiers: ClinVar variation 4293407 (VCV004293407.1).